The following is an entry in ClinVar:

ClinVar aggregate classification (germline): Uncertain significance. Review status: criteria provided, multiple submitters, no conflicts (2 of 4 stars). 3 submissions from 3 submitters: Uncertain significance (3). Last evaluated 2025-12-26.

Conditions:
Familial thoracic aortic aneurysm and aortic dissection (TAAD). Also called: Thoracic aortic aneurysms and dissections. Identifiers: Orphanet 91387, MedGen C4707243, MONDO:0019625.

Submissions (3):

Ambry Genetics
Classification: Uncertain significance for Familial thoracic aortic aneurysm and aortic dissection. Last evaluated: 2025-12-26. Review status: criteria provided, single submitter. Criteria: Ambry Variant Classification Scheme 2023. Collection method: clinical testing. Allele origin: germline.
Comment: The c.-4A>G variant is located in the 5' untranslated region (5&rsquo; UTR) of the ACTA2 gene. This variant results from an A to G substitution 4 bases upstream from the first translated codon. This nucleotide position is well conserved in available vertebrate species. Based on the available evidence, the clinical significance of this variant remains unclear.

Color Diagnostics, LLC DBA Color Health
Classification: Uncertain significance for Familial thoracic aortic aneurysm and aortic dissection. Last evaluated: 2025-07-15. Review status: criteria provided, single submitter. Criteria: ACMG Guidelines, 2015. Collection method: clinical testing. Allele origin: germline.
Comment: This variant causes an A to G nucleotide substitution at the -4 position in the 5' untranslated region in the ACTA2 gene. To our knowledge, functional studies have not been reported for this variant. This variant has not been reported in individuals affected with ACTA2-related disorders in the literature. This variant has not been identified in the general population by the Genome Aggregation Database (gnomAD). The available evidence is insufficient to determine the role of this variant in disease conclusively. Therefore, this variant is classified as a Variant of Uncertain Significance.

All of Us Research Program, National Institutes of Health
Classification: Uncertain significance for Familial thoracic aortic aneurysm and aortic dissection. Last evaluated: 2023-05-16. Review status: criteria provided, single submitter. Criteria: ACMG Guidelines, 2015. Collection method: clinical testing. Allele origin: germline. Inheritance: Autosomal dominant inheritance. Observed: 1 variant allele, 1 heterozygote.
Comment: This variant causes an A to G nucleotide substitution at the -4 position in the 5' untranslated region in the ACTA2 gene. To our knowledge, functional studies have not been reported for this variant. This variant has not been reported in individuals affected with ACTA2-related disorders in the literature. This variant has not been identified in the general population by the Genome Aggregation Database (gnomAD). The available evidence is insufficient to determine the role of this variant in disease conclusively. Therefore, this variant is classified as a Variant of Uncertain Significance.

This study involves interpretation of variants in research participants for the purpose of population health screening. Participant phenotype was not available at the time of variant classification. Additional details can be found in publication PMID: 35346344, PMCID: PMC8962531

NM_001613.4(ACTA2):c.-4A>G

Gene: ACTA2 (actin alpha 2, smooth muscle; minus strand). Cytogenetic location: 10q23.31.
Variant type: single nucleotide variant.
Coding change: c.-4A>G on transcript NM_001613.4 (MANE Select); 4 bases upstream of the start codon, A replaced by G.
Molecular consequence: 5 prime UTR variant.
Genome position (GRCh38, 1-based): chr10:88,948,934, T>C on the plus strand (A>G on the coding strand, the complement: ACTA2 is on the minus strand). VCF-style: chr10-88948934-T-C. GRCh37 (hg19) VCF-style: chr10-90708691-T-C.
Other names: c.-4A>G (NM_001141945.3, NM_001320855.2, NM_001406462.1 and 7 more transcripts).
Identifiers: ClinVar variation 3071000 (VCV003071000.3), dbSNP rs2494579344, ClinGen allele CA2825001733.